The following is an entry in ClinVar:

NM_000747.3(CHRNB1):c.1009C>T (p.Pro337Ser)

Gene: CHRNB1 (cholinergic receptor nicotinic beta 1 subunit; plus strand). Cytogenetic location: 17p13.1.
Variant type: single nucleotide variant.
Coding change: c.1009C>T on transcript NM_000747.3 (MANE Select); coding-DNA position 1009, C replaced by T.
Protein change: p.Pro337Ser; replaces proline 337 with serine.
Molecular consequence: missense variant.
Genome position (GRCh38, 1-based): chr17:7,454,485, C>T. VCF-style: chr17-7454485-C-T. GRCh37 (hg19) VCF-style: chr17-7357804-C-T.
Other names: short protein forms P337S.
Identifiers: ClinVar variation 4753798 (VCV004753798.1).
Genomic context (GRCh38, chr17:7,454,485, plus strand): 5'-GTCCTCGTCACCTTCTCAGTCATCCTTAGTGTCGTGGTTCTCAACCTGCACCACCGCTCA[C>T]CCCACACCCACCAAATGCCCCTTTGGGTCCGTCAGGTAAGAAAGATCTCCTCCTCCAACC-3'
Protein context (NP_000738.2, residues 327-347): VVVLNLHHRS[Pro337Ser]HTHQMPLWVR

ClinVar aggregate classification (germline): Uncertain significance (1 of 4 stars; one submission).

Conditions:
Congenital myasthenic syndrome 2A. Also called: Myasthenic syndrome, congenital, 2a, slow-channel. Identifiers: Orphanet 590, MedGen C4225374, MONDO:0014581, OMIM 616313.

Submission:

Labcorp Genetics (formerly Invitae), Labcorp
Classification: Uncertain significance for Congenital myasthenic syndrome 2A. Last evaluated: 2025-11-01. Review status: criteria provided, single submitter. Criteria: Invitae Variant Classification Sherloc (09022015). Collection method: clinical testing. Allele origin: germline.
Comment: This sequence change replaces proline, which is neutral and non-polar, with serine, which is neutral and polar, at codon 337 of the CHRNB1 protein (p.Pro337Ser). This variant is not present in population databases (gnomAD no frequency). This variant has not been reported in the literature in individuals affected with CHRNB1-related conditions. Invitae Evidence Modeling of protein sequence and biophysical properties (such as structural, functional, and spatial information, amino acid conservation, physicochemical variation, residue mobility, and thermodynamic stability) indicates that this missense variant is not expected to disrupt CHRNB1 protein function with a negative predictive value of 80%. In summary, the available evidence is currently insufficient to determine the role of this variant in disease. Therefore, it has been classified as a Variant of Uncertain Significance.